The following is an entry in ClinVar:

NM_004174.4(SLC9A3):c.2135A>G (p.Glu712Gly)

Genes: SLC9A3 (solute carrier family 9 member A3), SLC9A3-AS1 (SLC9A3 antisense RNA 1; plus strand). Cytogenetic location: 5p15.33.
Variant type: single nucleotide variant.
Coding change: c.2135A>G on transcript NM_004174.4 (MANE Select); coding-DNA position 2135, A replaced by G.
Protein change: p.Glu712Gly; replaces glutamic acid 712 with glycine.
Molecular consequence: missense variant.
Genome position (GRCh38, 1-based): chr5:476,025, T>C on the plus strand (A>G on the coding strand, the complement: SLC9A3 is on the minus strand). VCF-style: chr5-476025-T-C. GRCh37 (hg19) VCF-style: chr5-476140-T-C.
Other names: c.2108A>G, p.Glu703Gly (NM_001284351.3); short protein forms E703G, E712G.
Identifiers: ClinVar variation 1389896 (VCV001389896.6), dbSNP rs1738704212, ClinGen allele CA359024357.

ClinVar aggregate classification (germline): Uncertain significance (1 of 4 stars; one submission).

Allele frequency attached by ClinVar (database versions not stated): gnomAD exomes below 0.00001; gnomAD 0.00001.
gnomAD v4.1: 6 of 1,611,682 alleles (0.00037%); highest among the groups gnomAD compares: Non-Finnish European, 0.00051%; no homozygotes.

Submission:

Labcorp Genetics (formerly Invitae), Labcorp
Classification: Uncertain significance. Last evaluated: 2022-07-11. Review status: criteria provided, single submitter. Criteria: Invitae Variant Classification Sherloc (09022015). Collection method: clinical testing. Allele origin: germline.
Comment: In summary, the available evidence is currently insufficient to determine the role of this variant in disease. Therefore, it has been classified as a Variant of Uncertain Significance. Algorithms developed to predict the effect of missense changes on protein structure and function are either unavailable or do not agree on the potential impact of this missense change (SIFT: "Not Available"; PolyPhen-2: "Benign"; Align-GVGD: "Not Available"). ClinVar contains an entry for this variant (Variation ID: 1389896). This variant has not been reported in the literature in individuals affected with SLC9A3-related conditions. This variant is not present in population databases (gnomAD no frequency). This sequence change replaces glutamic acid, which is acidic and polar, with glycine, which is neutral and non-polar, at codon 712 of the SLC9A3 protein (p.Glu712Gly).